The following is an entry in ClinVar:

ClinVar aggregate classification (germline): Likely pathogenic (1 of 4 stars; one submission).

Submission:

Labcorp Genetics (formerly Invitae), Labcorp
Classification: Likely pathogenic. Last evaluated: 2023-04-07. Review status: criteria provided, single submitter. Criteria: Invitae Variant Classification Sherloc (09022015). Collection method: clinical testing. Allele origin: germline.
Comment: This sequence change replaces glycine, which is neutral and non-polar, with glutamic acid, which is acidic and polar, at codon 435 of the COL4A5 protein (p.Gly435Glu). This variant is not present in population databases (gnomAD no frequency). This missense change has been observed in individual(s) with Alport syndrome (Invitae). ClinVar contains an entry for this variant (Variation ID: 2031252). Advanced modeling of protein sequence and biophysical properties (such as structural, functional, and spatial information, amino acid conservation, physicochemical variation, residue mobility, and thermodynamic stability) performed at Invitae indicates that this missense variant is expected to disrupt COL4A5 protein function. This variant disrupts the triple helix domain of COL4A5. Glycine residues within the Gly-Xaa-Yaa repeats of the triple helix domain are required for the structure and stability of fibrillar collagens (PMID: 7695699, 8218237, 19344236). In COL4A5, missense variants at these glycine residues are significantly enriched in individuals with disease (PMID: 23720012, 27627812) compared to the general population (ExAC). This variant disrupts the p.Gly435 amino acid residue in COL4A5. Other variant(s) that disrupt this residue have been observed in individuals with COL4A5-related conditions (Invitae), which suggests that this may be a clinically significant amino acid residue. In summary, the currently available evidence indicates that the variant is pathogenic, but additional data are needed to prove that conclusively. Therefore, this variant has been classified as Likely Pathogenic.

Literature cited by the submitters: PubMed 7695699; PubMed 8218237; PubMed 19344236; PubMed 23720012; PubMed 27627812.

NM_033380.3(COL4A5):c.1304G>A (p.Gly435Glu)

Gene: COL4A5 (collagen type IV alpha 5 chain; plus strand). Cytogenetic location: Xq22.3.
Variant type: single nucleotide variant.
Coding change: c.1304G>A on transcript NM_033380.3 (MANE Select); coding-DNA position 1304, G replaced by A.
Protein change: p.Gly435Glu; replaces glycine 435 with glutamic acid.
Molecular consequence: missense variant.
Genome position (GRCh38, 1-based): chrX:108,591,196, G>A. VCF-style: chrX-108591196-G-A. GRCh37 (hg19) VCF-style: chrX-107834426-G-A.
Other names: c.1304G>A, p.Gly435Glu (NM_000495.5); short protein forms G435E.
Identifiers: ClinVar variation 2031252 (VCV002031252.4), dbSNP rs2524283034, ClinGen allele CA413933089.
Genomic context (GRCh38, chrX:108,591,196, plus strand): 5'-GAATTTCCATTCCTGGACCTCCTGGACTTGACGGACAGCCTGGGGCTCCTGGGCTTCCAG[G>A]GCCTCCTGGCCCTGCTGGCCCTCACATTCCTCCTAGTAAGCTATATTTTTCTCCTATTAA-3'
Protein context (NP_203699.1, residues 425-445): DGQPGAPGLP[Gly435Glu]PPGPAGPHIP